The following is an entry in ClinVar:

ClinVar aggregate classification (germline): Uncertain significance (1 of 4 stars; one submission).

Conditions:
Hereditary cancer-predisposing syndrome. Also called: Neoplastic Syndromes, Hereditary; Tumor predisposition; Hereditary Cancer Syndrome; Hereditary neoplastic syndrome. Identifiers: Orphanet 140162, MedGen C0027672, MeSH D009386, MONDO:0015356.

Submission:

Ambry Genetics
Classification: Uncertain significance for Hereditary cancer-predisposing syndrome. Last evaluated: 2017-11-29. Review status: criteria provided, single submitter. Criteria: Ambry Variant Classification Scheme 2023. Collection method: clinical testing. Allele origin: germline.
Comment: The p.C686G variant (also known as c.2056T>G), located in coding exon 12 of the DICER1 gene, results from a T to G substitution at nucleotide position 2056. The cysteine at codon 686 is replaced by glycine, an amino acid with highly dissimilar properties. This amino acid position is not well conserved in available vertebrate species. In addition, the in silico prediction for this alteration is inconclusive. Since supporting evidence is limited at this time, the clinical significance of this alteration remains unclear.

NM_177438.3(DICER1):c.2056T>G (p.Cys686Gly)

Gene: DICER1 (dicer 1, ribonuclease III; minus strand). Cytogenetic location: 14q32.13.
Variant type: single nucleotide variant.
Coding change: c.2056T>G on transcript NM_177438.3 (MANE Select); coding-DNA position 2056, T replaced by G.
Protein change: p.Cys686Gly; replaces cysteine 686 with glycine.
Molecular consequence: missense variant. On other transcripts: non-coding transcript variant (6).
Genome position (GRCh38, 1-based): chr14:95,112,232, A>C on the plus strand (T>G on the coding strand, the complement: DICER1 is on the minus strand). VCF-style: chr14-95112232-A-C. GRCh37 (hg19) VCF-style: chr14-95578569-A-C.
Other names: c.2056T>G, p.Cys686Gly (NM_001195573.1, NM_001271282.3, NM_001291628.2 and 13 more transcripts); c.1774T>G, p.Cys592Gly (NM_001395686.1); c.1651T>G, p.Cys551Gly (NM_001395687.1, NM_001395688.1, NM_001395689.1 and 3 more transcripts); c.1489T>G, p.Cys497Gly (NM_001395691.1); c.373T>G, p.Cys125Gly (NM_001395697.1); short protein forms C592G, C551G, C125G, C497G, C686G.
Identifiers: ClinVar variation 1785142 (VCV001785142.2), dbSNP rs2542931938, ClinGen allele CA390883113.